The following is an entry in ClinVar:

ClinVar aggregate classification (germline): Conflicting classifications of pathogenicity. Review status: criteria provided, conflicting classifications (1 of 4 stars). 3 submissions from 1 submitter: Uncertain significance (2); Likely benign (1). Last evaluated 2018-01-13.

Conditions:
Autosomal dominant nonsyndromic hearing loss 11. Identifiers: Orphanet 90635, MedGen C1832475, MONDO:0011032, OMIM 601317.
Autosomal recessive nonsyndromic hearing loss 2. Also called: DEAFNESS, AUTOSOMAL RECESSIVE 2; NEUROSENSORY NONSYNDROMIC RECESSIVE DEAFNESS 2. Identifiers: Orphanet 90636, MedGen C1838701, MONDO:0010807, OMIM 600060.
Usher syndrome type 1 (USH1). Also called: RETINITIS PIGMENTOSA AND CONGENITAL DEAFNESS. Identifiers: Orphanet 231169, Orphanet 886, MedGen C1568247, MONDO:0010168, OMIM 276900.

Allele frequency attached by ClinVar (database versions not stated): 1000 Genomes Project 0.00040; 1000 Genomes Project 30x 0.00047; gnomAD 0.00054; TOPMed 0.00073.

Submissions (3):

Illumina Laboratory Services, Illumina
Classification: Likely benign for Autosomal dominant nonsyndromic hearing loss 11. Last evaluated: 2018-01-13. Review status: criteria provided, single submitter. Criteria: ICSL Variant Classification Criteria 13 December 2019. Collection method: clinical testing. Allele origin: germline.
Comment: This variant was observed in the ICSL laboratory as part of a predisposition screen in an ostensibly healthy population. It had not been previously curated by ICSL or reported in the Human Gene Mutation Database (HGMD: prior to June 1st, 2018), and was therefore a candidate for classification through an automated scoring system. Utilizing variant allele frequency, disease prevalence and penetrance estimates, and inheritance mode, an automated score was calculated to assess if this variant is too frequent to cause the disease. Based on the score and internal cut-off values, a variant classified as likely benign is not then subjected to further curation. The score for this variant resulted in a classification of likely benign for this disease.

Illumina Laboratory Services, Illumina
Classification: Uncertain significance for Usher syndrome type 1. Last evaluated: 2018-01-13. Review status: criteria provided, single submitter. Criteria: ICSL Variant Classification Criteria 13 December 2019. Collection method: clinical testing. Allele origin: germline.

Illumina Laboratory Services, Illumina
Classification: Uncertain significance for Autosomal recessive nonsyndromic hearing loss 2. Last evaluated: 2018-01-13. Review status: criteria provided, single submitter. Criteria: ICSL Variant Classification Criteria 13 December 2019. Collection method: clinical testing. Allele origin: germline.

NM_000260.4(MYO7A):c.-154G>A

Gene: MYO7A (myosin VIIA; plus strand). Cytogenetic location: 11q13.5.
Variant type: single nucleotide variant.
Coding change: c.-154G>A on transcript NM_000260.4 (MANE Select); 154 bases upstream of the start codon, G replaced by A.
Molecular consequence: 5 prime UTR variant.
Genome position (GRCh38, 1-based): chr11:77,128,382, G>A. VCF-style: chr11-77128382-G-A. GRCh37 (hg19) VCF-style: chr11-76839428-G-A.
Other names: c.-154G>A (NM_001127180.2); c.-267G>A (NM_001369365.1).
Identifiers: ClinVar variation 306150 (VCV000306150.5), dbSNP rs545774605, ClinGen allele CA10640226.